The following is an entry in ClinVar:

NM_004260.4(RECQL4):c.1115G>C (p.Arg372Thr)

Gene: RECQL4 (RecQ like helicase 4; minus strand). Cytogenetic location: 8q24.3.
Variant type: single nucleotide variant.
Coding change: c.1115G>C on transcript NM_004260.4 (MANE Select); coding-DNA position 1115, G replaced by C.
Protein change: p.Arg372Thr; replaces arginine 372 with threonine.
Molecular consequence: missense variant.
Genome position (GRCh38, 1-based): chr8:144,516,004, C>G on the plus strand (G>C on the coding strand, the complement: RECQL4 is on the minus strand). VCF-style: chr8-144516004-C-G. GRCh37 (hg19) VCF-style: chr8-145741388-C-G.
Other names: short protein forms R372T.
Identifiers: ClinVar variation 135167 (VCV000135167.18), dbSNP rs200097701, ClinGen allele CA161890.
Genomic context (GRCh38, chr8:144,516,004, plus strand): 5'-GGGGAGGGAAAGGGAATGCCTGTCCTGGCCCGTCGCTGTCTTACCTGCTTGCGGAGGAGC[C>G]TGCTACGGAGTGCCCGGCCCCGCACGTAGTGTTTCTGCTTCATGTTGAGCCGTACGTAAT-3'
Protein context (NP_004251.4, residues 362-382): HYVRGRALRS[Arg372Thr]LLRKQAWKQK

ClinVar aggregate classification (germline): Conflicting classifications of pathogenicity. Review status: criteria provided, conflicting classifications (1 of 4 stars). 7 submissions from 7 submitters: Uncertain significance (1); Likely benign (3). 3 of the submissions do not count toward it. Last evaluated 2026-02-03.

Conditions:
RECQL4-related disorder. Also called: RECQL4-related condition; RECQL4-related disorders.
Hereditary cancer-predisposing syndrome. Also called: Tumor predisposition; Hereditary neoplastic syndrome; Neoplastic Syndromes, Hereditary; Hereditary Cancer Syndrome. Identifiers: Orphanet 140162, MedGen C0027672, MeSH D009386, MONDO:0015356.
Baller-Gerold syndrome (BGS). Also called: CRANIOSYNOSTOSIS WITH RADIAL DEFECTS. Identifiers: Orphanet 1225, MedGen C0265308, MONDO:0009039, OMIM 218600.

Allele frequency attached by ClinVar (database versions not stated): ESP Exome Variant Server 0.00008; gnomAD 0.00015 and 0.00022; gnomAD exomes 0.00015 and 0.00041; ExAC 0.00032; TOPMed 0.00033; 1000 Genomes Project 30x 0.00078; 1000 Genomes Project 0.00100.
gnomAD v4.1: 267 of 1,609,542 alleles (0.017%); highest among the groups gnomAD compares: East Asian, 0.48%; 1 homozygote.

Submissions (7):

Dasa
Classification: Likely benign. Last evaluated: 2026-02-03. Review status: criteria provided, single submitter. Criteria: DASA Assertion Criteria. Collection method: clinical testing. Allele origin: germline.
Comment: NM_004260.4(RECQL4):c.1115G>C (p.Arg372Thr) is a missense variant that results in the substitution of arginine with threonine. Population frequency is inconsistent with a disease-causing role for this variant, and observations in unaffected individuals support a benign interpretation. Therefore, based on the currently available evidence, this variant is classified as likely benign.

Labcorp Genetics (formerly Invitae), Labcorp
Classification: Likely benign for Baller-Gerold syndrome. Last evaluated: 2026-01-26. Review status: criteria provided, single submitter. Criteria: Invitae Variant Classification Sherloc (09022015). Collection method: clinical testing. Allele origin: germline.

Blueprint Genetics
Classification: Likely benign. Last evaluated: 2024-09-23. Review status: criteria provided, single submitter. Criteria: ACMG Guidelines, 2015. Collection method: clinical testing. Allele origin: germline.

Sema4
Classification: Uncertain significance for Hereditary cancer-predisposing syndrome. Last evaluated: 2021-09-15. Review status: criteria provided, single submitter. Criteria: Sema4 Curation Guidelines. Collection method: curation. Allele origin: germline.
Comment: The RECQL4 c.1115G>C (p.R372T) variant has been reported in heterozygosity in at least two individuals with pancreatic cancer (PMID: 28767289). It has also been seen in two healthy individuals (PMID: 24728327). It was observed in 107/19520 chromosomes of the East Asian subpopulation, with no homozygotes, in the large and broad cohorts of the Genome Aggregation Database (PMID: 32461654). The variant has been reported in ClinVar (Variation ID 135167). In silico tools suggest the impact of the variant on protein function is benign, though these predictions have not been confirmed by functional studies. The evidence is insufficient to meet ACMG/AMP criteria for classifying the variant as benign or pathogenic. Thus, the clinical significance of this variant is currently uncertain.

PreventionGenetics, part of Exact Sciences
Classification: Likely benign for RECQL4-related condition. Last evaluated: 2024-02-14. Review status: no assertion criteria provided. Collection method: clinical testing. Allele origin: germline. Not counted in ClinVar's aggregate classification.
Comment: This variant is classified as likely benign based on ACMG/AMP sequence variant interpretation guidelines (Richards et al. 2015 PMID: 25741868, with internal and published modifications).

Genetic Services Laboratory, University of Chicago
Classification: Uncertain significance. Last evaluated: 2022-05-06. Review status: no assertion criteria provided. Collection method: clinical testing. Allele origin: germline. Affected: no. Not counted in ClinVar's aggregate classification.
Comment: DNA sequence analysis of the RECQL4 gene demonstrated a sequence change, c.1115G>C, in exon 5 that results in an amino acid change, p.Arg372Thr. This sequence change has been described in the gnomAD database with a frequency of 0.55% in the East Asian subpopulation (dbSNP rs200097701). The p.Arg372Thr change affects a highly conserved amino acid residue located in a domain of the RECQL4 protein that is not known to be functional. In-silico pathogenicity prediction tools (SIFT, PolyPhen2, Align GVGD) provide contradictory results for the p.Arg372Thr substitution. This sequence change does not appear to have been previously described in individuals with RECQL4-related disorders. Due to insufficient evidences and the lack of functional studies, the clinical significance of the p.Arg372Thr change remains unknown at this time.

ITMI
No classification provided. Condition: AllHighlyPenetrant. Last evaluated: 2013-09-19. Review status: no classification provided. Collection method: reference population. Allele origin: germline. Not counted in ClinVar's aggregate classification.
Comment: Please see associated publication for description of ethnicities

Literature cited by the submitters: PubMed 28767289 (cited by Sema4); PubMed 24728327 (cited by Sema4 and ITMI).